The following is an entry in ClinVar:

ClinVar aggregate classification (germline): Pathogenic (1 of 4 stars; one submission).

Submission:

Labcorp Genetics (formerly Invitae), Labcorp
Classification: Pathogenic. Last evaluated: 2023-07-25. Review status: criteria provided, single submitter. Criteria: Invitae Variant Classification Sherloc (09022015). Collection method: clinical testing. Allele origin: germline.
Comment: For these reasons, this variant has been classified as Pathogenic. This premature translational stop signal has been observed in individual(s) with Hermansky-Pudlak syndrome (PMID: 30387913, 32725903). This variant is not present in population databases (gnomAD no frequency). This sequence change creates a premature translational stop signal (p.Ile378Trpfs*4) in the HPS1 gene. It is expected to result in an absent or disrupted protein product. Loss-of-function variants in HPS1 are known to be pathogenic (PMID: 12442288, 16185271).

Literature cited by the submitters: PubMed 30387913; PubMed 32725903; PubMed 12442288; PubMed 16185271.

NM_000195.5(HPS1):c.1132_1138del (p.Ile378fs)

Gene: HPS1 (HPS1 biogenesis of lysosomal organelles complex 3 subunit 1; minus strand). Cytogenetic location: 10q24.2.
Variant type: Deletion.
Coding change: c.1132_1138del on transcript NM_000195.5 (MANE Select); coding-DNA positions 1132 to 1138, 7 bases deleted (ATCAACC; older notation c.1132_1138delATCAACC).
Protein change: p.Ile378fs; shifts the reading frame from isoleucine 378.
Molecular consequence: frameshift variant.
Genome position (GRCh38, 1-based): chr10:98,425,835-98,425,841, GGTTGAT deleted on the plus strand (ATCAACC on the coding strand, the reverse complement: HPS1 is on the minus strand); deleting any 7 consecutive bases within chr10:98,425,835-98,425,842 gives the same sequence; the c. name uses the placement nearest the transcript's 3' end. VCF-style (leftmost placement, unchanged base first): chr10-98425834-AGGTTGAT-A. GRCh37 (hg19) VCF-style: chr10-100185591-AGGTTGAT-A.
Other names: c.763_769del, p.Ile255fs (NM_001322483.2, NM_001322484.2); c.664_670del, p.Ile222fs (NM_001322485.2); c.160_166del, p.Ile54fs (NM_001322487.2, NM_001322489.2, NM_001311345.2); c.1132_1138del, p.Ile378fs (NM_001322476.2, NM_001322477.2); c.1033_1039del, p.Ile345fs (NM_001322478.2, NM_001322479.2); c.871_877del, p.Ile291fs (NM_001322480.2, NM_001322481.2); c.772_778del, p.Ile258fs (NM_001322482.2); short protein forms I54fs, I222fs, I345fs, I258fs, I291fs, I255fs, I378fs.
Identifiers: ClinVar variation 2907402 (VCV002907402.3), dbSNP rs2538837574, ClinGen allele CA2695212510.